The following is an entry in ClinVar:

NM_001198800.3(ASCC1):c.121G>A (p.Glu41Lys)

Gene: ASCC1 (activating signal cointegrator 1 complex subunit 1; minus strand). Cytogenetic location: 10q22.1.
Variant type: single nucleotide variant.
Coding change: c.121G>A on transcript NM_001198800.3 (MANE Select); coding-DNA position 121, G replaced by A.
Protein change: p.Glu41Lys; replaces glutamic acid 41 with lysine.
Molecular consequence: missense variant. On other transcripts: non-coding transcript variant (1).
Genome position (GRCh38, 1-based): chr10:72,210,823, C>T on the plus strand (G>A on the coding strand, the complement: ASCC1 is on the minus strand). VCF-style: chr10-72210823-C-T. GRCh37 (hg19) VCF-style: chr10-73970581-C-T.
Other names: c.121G>A, p.Glu41Lys (NM_001198798.2, NM_001198799.3, NM_001369087.1 and 19 more transcripts); c.187G>A, p.Glu63Lys (NM_001369085.1, NM_001369086.1, NM_001369099.1); c.4G>A, p.Glu2Lys (NM_001369101.1, NM_001369102.1, NM_001369105.1 and 2 more transcripts); short protein forms E2K, E41K, E63K.
Identifiers: ClinVar variation 2047769 (VCV002047769.4), dbSNP rs1457106931, ClinGen allele CA377148947.

ClinVar aggregate classification (germline): Uncertain significance (1 of 4 stars; one submission).

Allele frequency attached by ClinVar (database versions not stated): gnomAD exomes 0.00001; TOPMed 0.00002; gnomAD 0.00004.

Submission:

Labcorp Genetics (formerly Invitae), Labcorp
Classification: Uncertain significance. Last evaluated: 2021-12-19. Review status: criteria provided, single submitter. Criteria: Invitae Variant Classification Sherloc (09022015). Collection method: clinical testing. Allele origin: germline.
Comment: In summary, the available evidence is currently insufficient to determine the role of this variant in disease. Therefore, it has been classified as a Variant of Uncertain Significance. Algorithms developed to predict the effect of missense changes on protein structure and function are either unavailable or do not agree on the potential impact of this missense change (SIFT: "Deleterious"; PolyPhen-2: "Benign"; Align-GVGD: "Class C15"). This variant has not been reported in the literature in individuals affected with ASCC1-related conditions. This variant is present in population databases (no rsID available, gnomAD 0.02%). This sequence change replaces glutamic acid, which is acidic and polar, with lysine, which is basic and polar, at codon 41 of the ASCC1 protein (p.Glu41Lys).